The following is an entry in ClinVar:

NM_005677.4(COLQ):c.1018C>T (p.Arg340Cys)

Gene: COLQ (collagen like tail subunit of asymmetric acetylcholinesterase; minus strand). Cytogenetic location: 3p25.1.
Variant type: single nucleotide variant.
Coding change: c.1018C>T on transcript NM_005677.4 (MANE Select); coding-DNA position 1018, C replaced by T.
Protein change: p.Arg340Cys; replaces arginine 340 with cysteine.
Molecular consequence: missense variant.
Genome position (GRCh38, 1-based): chr3:15,456,516, G>A on the plus strand (C>T on the coding strand, the complement: COLQ is on the minus strand). VCF-style: chr3-15456516-G-A. GRCh37 (hg19) VCF-style: chr3-15498023-G-A.
Other names: c.988C>T, p.Arg330Cys (NM_080538.2); c.916C>T, p.Arg306Cys (NM_080539.4); short protein forms R330C, R340C, R306C.
Identifiers: ClinVar variation 664848 (VCV000664848.9), dbSNP rs138818971, ClinGen allele CA2275901.
Genomic context (GRCh38, chr3:15,456,516, plus strand): 5'-GTACCTGGATGGGGAGCCAGCCAAGGCTGTCCTTGAAGTACAGAGATCTCTGGTCTCTGC[G>A]GAAGGCAATGGCGTTTTGGGTGTTCAGCCTCTCAAGCTCCTCCTGGTTGTTGACCACAAA-3'
Protein context (NP_005668.2, residues 330-350): RLNTQNAIAF[Arg340Cys]RDQRSLYFKD

ClinVar aggregate classification (germline): Uncertain significance. Review status: criteria provided, multiple submitters, no conflicts (2 of 4 stars). 3 submissions from 3 submitters: Uncertain significance (3). Last evaluated 2022-06-20.

Conditions:
Congenital myasthenic syndrome 5. Identifiers: Orphanet 590, MedGen C1864233, MONDO:0011281, OMIM 603034.
Inborn genetic diseases. Identifiers: MedGen C0950123, MeSH D030342.

Allele frequency attached by ClinVar (database versions not stated): gnomAD exomes 0.00006 and 0.00008; ExAC 0.00007; gnomAD 0.00014 and 0.00015; TOPMed 0.00015; ESP Exome Variant Server 0.00023; 1000 Genomes Project 30x 0.00031; 1000 Genomes Project 0.00040.
gnomAD v4.1: 106 of 1,614,184 alleles (0.0066%); highest among the groups gnomAD compares: African/African-American, 0.036%; no homozygotes.

Submissions (3):

Labcorp Genetics (formerly Invitae), Labcorp
Classification: Uncertain significance for Congenital myasthenic syndrome 5. Last evaluated: 2022-06-20. Review status: criteria provided, single submitter. Criteria: Invitae Variant Classification Sherloc (09022015). Collection method: clinical testing. Allele origin: germline.
Comment: This sequence change replaces arginine, which is basic and polar, with cysteine, which is neutral and slightly polar, at codon 340 of the COLQ protein (p.Arg340Cys). This variant is present in population databases (rs138818971, gnomAD 0.05%). This variant has not been reported in the literature in individuals affected with COLQ-related conditions. ClinVar contains an entry for this variant (Variation ID: 664848). Algorithms developed to predict the effect of missense changes on protein structure and function are either unavailable or do not agree on the potential impact of this missense change (SIFT: "Deleterious"; PolyPhen-2: "Not Available"; Align-GVGD: "Class C0"). In summary, the available evidence is currently insufficient to determine the role of this variant in disease. Therefore, it has been classified as a Variant of Uncertain Significance.

Ambry Genetics
Classification: Uncertain significance for Inborn genetic diseases. Last evaluated: 2021-09-01. Review status: criteria provided, single submitter. Criteria: Ambry Variant Classification Scheme 2023. Collection method: clinical testing. Allele origin: germline.

Revvity Omics, Revvity
Classification: Uncertain significance for Congenital myasthenic syndrome 5. Last evaluated: 2019-10-03. Review status: criteria provided, single submitter. Criteria: ACMG Guidelines, 2015. Collection method: clinical testing. Allele origin: germline.